The following is an entry in ClinVar:

NM_005359.6(SMAD4):c.1201T>C (p.Cys401Arg)

Gene: SMAD4 (SMAD family member 4; plus strand). Cytogenetic location: 18q21.2.
Variant type: single nucleotide variant.
Coding change: c.1201T>C on transcript NM_005359.6 (MANE Select); coding-DNA position 1201, T replaced by C.
Protein change: p.Cys401Arg; replaces cysteine 401 with arginine.
Molecular consequence: missense variant.
Genome position (GRCh38, 1-based): chr18:51,067,080, T>C. VCF-style: chr18-51067080-T-C. GRCh37 (hg19) VCF-style: chr18-48593450-T-C.
Other names: short protein forms C401R.
Identifiers: ClinVar variation 847636 (VCV000847636.9), dbSNP rs1910180767, ClinGen allele CA402464841.

ClinVar aggregate classification (germline): Uncertain significance (1 of 4 stars; one submission).

Conditions:
Juvenile polyposis syndrome (JPS). Identifiers: Orphanet 2929, MedGen C0345893, MONDO:0017380, OMIM 174900.

Submission:

Labcorp Genetics (formerly Invitae), Labcorp
Classification: Uncertain significance for Juvenile polyposis syndrome. Last evaluated: 2019-04-10. Review status: criteria provided, single submitter. Criteria: Invitae Variant Classification Sherloc (09022015). Collection method: clinical testing. Allele origin: germline.
Comment: In summary, the available evidence is currently insufficient to determine the role of this variant in disease. Therefore, it has been classified as a Variant of Uncertain Significance. This sequence change replaces cysteine with arginine at codon 401 of the SMAD4 protein (p.Cys401Arg). The cysteine residue is highly conserved and there is a large physicochemical difference between cysteine and arginine. This variant is not present in population databases (ExAC no frequency). This variant has not been reported in the literature in individuals with SMAD4-related conditions. Algorithms developed to predict the effect of missense changes on protein structure and function are either unavailable or do not agree on the potential impact of this missense change (SIFT: "Tolerated"; PolyPhen-2: "Probably Damaging"; Align-GVGD: "Class C0").